The following is an entry in ClinVar:

NM_001085487.3(MYSM1):c.1516C>T (p.Arg506Ter)

Gene: MYSM1 (Myb like, SWIRM and MPN domains 1; minus strand). Cytogenetic location: 1p32.1.
Variant type: single nucleotide variant.
Coding change: c.1516C>T on transcript NM_001085487.3 (MANE Select); coding-DNA position 1516, C replaced by T.
Protein change: p.Arg506Ter; replaces arginine 506 with a stop codon.
Molecular consequence: nonsense.
Genome position (GRCh38, 1-based): chr1:58,673,629, G>A on the plus strand (C>T on the coding strand, the complement: MYSM1 is on the minus strand). VCF-style: chr1-58673629-G-A. GRCh37 (hg19) VCF-style: chr1-59139301-G-A.
Other names: short protein forms R506*.
Identifiers: ClinVar variation 1805964 (VCV001805964.4), dbSNP rs780757165, ClinGen allele CA877772.

ClinVar aggregate classification (germline): Pathogenic. Review status: criteria provided, multiple submitters, no conflicts (2 of 4 stars). 2 submissions from 2 submitters: Pathogenic (2). Last evaluated 2022-11-29.

Conditions:
Bone marrow failure syndrome 4. Identifiers: MedGen C4748257, MONDO:0020856, OMIM 618116.

Allele frequency attached by ClinVar (database versions not stated): gnomAD exomes below 0.00001; ExAC 0.00001.
gnomAD v4.1: 3 of 1,613,848 alleles (0.00019%); highest among the groups gnomAD compares: South Asian, 0.0011%; no homozygotes.

Submissions (2):

Labcorp Genetics (formerly Invitae), Labcorp
Classification: Pathogenic. Last evaluated: 2022-11-29. Review status: criteria provided, single submitter. Criteria: Invitae Variant Classification Sherloc (09022015). Collection method: clinical testing. Allele origin: germline.
Comment: For these reasons, this variant has been classified as Pathogenic. This variant has not been reported in the literature in individuals affected with MYSM1-related conditions. This variant is present in population databases (rs780757165, gnomAD 0.0009%). This sequence change creates a premature translational stop signal (p.Arg506*) in the MYSM1 gene. It is expected to result in an absent or disrupted protein product. Loss-of-function variants in MYSM1 are known to be pathogenic (PMID: 24288411, 28115216).

Victorian Clinical Genetics Services, Murdoch Childrens Research Institute
Classification: Pathogenic for Bone marrow failure syndrome 4. Last evaluated: 2022-09-02. Review status: criteria provided, single submitter. Criteria: ACMG Guidelines, 2015. Collection method: clinical testing. Allele origin: germline. Inheritance: Autosomal recessive inheritance. Affected: yes.
Comment: Based on the classification scheme VCGS_Germline_v1.3.4, this variant is classified as Pathogenic. Following criteria are met: 0102 - Loss of function is a known mechanism of disease in this gene and is associated with bone marrow failure syndrome 4 (MIM#618116). (I) 0106 - This gene is associated with autosomal recessive disease. (I) 0201 - Variant is predicted to cause nonsense-mediated decay (NMD) and loss of protein (premature termination codon is located at least 54 nucleotides upstream of the final exon-exon junction). (SP) 0252 - This variant is homozygous. (I) 0304 - Variant is present in gnomAD (v2) <0.01 for a recessive condition (1 heterozygote, 0 homozygotes). (SP) 0702 - Other NMD predicted variants comparable to the one identified in this case have strong previous evidence for pathogenicity (ClinVar). (SP) 0807 - This variant has no previous evidence of pathogenicity. (I) 0905 - No published segregation evidence has been identified for this variant. (I) 1007 - No published functional evidence has been identified for this variant. (I) Legend: (SP) - Supporting pathogenic, (I) - Information, (SB) - Supporting benign

Literature cited by the submitters: PubMed 24288411 (cited by Labcorp Genetics (formerly Invitae), Labcorp); PubMed 28115216 (cited by Labcorp Genetics (formerly Invitae), Labcorp).